The following is an entry in ClinVar:

NM_020699.4(GATAD2B):c.259G>A (p.Gly87Arg)

Gene: GATAD2B (GATA zinc finger domain containing 2B; minus strand). Cytogenetic location: 1q21.3.
Variant type: single nucleotide variant.
Coding change: c.259G>A on transcript NM_020699.4 (MANE Select); coding-DNA position 259, G replaced by A.
Protein change: p.Gly87Arg; replaces glycine 87 with arginine.
Molecular consequence: missense variant.
Genome position (GRCh38, 1-based): chr1:153,828,089, C>T on the plus strand (G>A on the coding strand, the complement: GATAD2B is on the minus strand). VCF-style: chr1-153828089-C-T. GRCh37 (hg19) VCF-style: chr1-153800565-C-T.
Other names: short protein forms G87R.
Identifiers: ClinVar variation 3769776 (VCV003769776.2).

ClinVar aggregate classification (germline): Uncertain significance (1 of 4 stars; one submission).

Submission:

GeneDx
Classification: Uncertain significance. Last evaluated: 2026-06-11. Review status: criteria provided, single submitter. Criteria: GeneDx Variant Classification Process June 2021. Collection method: clinical testing. Allele origin: germline.
Comment: Not observed at significant frequency in large population cohorts (gnomAD); In silico analysis suggests that this missense variant does not alter protein structure/function; Has not been previously published as pathogenic or benign to our knowledge